The following is an entry in ClinVar:

NM_001166108.2(PALLD):c.*1594T>C

Genes: CBR4 (carbonyl reductase 4; minus strand), PALLD (palladin, cytoskeletal associated protein; plus strand). Cytogenetic location: 4q32.3.
Variant type: single nucleotide variant.
Coding change: c.*1594T>C on transcript NM_001166108.2 (MANE Select); 1594 bases downstream of the stop codon, T replaced by C.
Molecular consequence: 3 prime UTR variant.
Genome position (GRCh38, 1-based): chr4:168,927,774, T>C. VCF-style: chr4-168927774-T-C. GRCh37 (hg19) VCF-style: chr4-169848925-T-C.
Other names: c.*1389T>C (NM_001166109.2, NM_001166110.2, NM_001367568.1 and 1 more transcripts); c.*1594T>C (NM_001367567.1, NM_001367570.1, NM_016081.4).
Identifiers: ClinVar variation 348060 (VCV000348060.5), dbSNP rs148023504, ClinGen allele CA10618227.

ClinVar aggregate classification (germline): Benign (1 of 4 stars; one submission).

Conditions:
Pancreatic cancer, susceptibility to, 1. Identifiers: Orphanet 1333, MedGen C1847351, MONDO:0011739, OMIM 606856.

Allele frequency attached by ClinVar (database versions not stated): gnomAD exomes 0.00027; 1000 Genomes Project 30x 0.00047; 1000 Genomes Project 0.00060; gnomAD 0.00094 and 0.00102; TOPMed 0.00119.
gnomAD v4.1: 162 of 220,750 alleles (0.073%); highest among the groups gnomAD compares: African/African-American, 0.34%; no homozygotes.

Submission:

Illumina Laboratory Services, Illumina
Classification: Benign for Pancreatic cancer, susceptibility to, 1. Last evaluated: 2018-01-13. Review status: criteria provided, single submitter. Criteria: ICSL Variant Classification Criteria 13 December 2019. Collection method: clinical testing. Allele origin: germline.
Comment: This variant was observed in the ICSL laboratory as part of a predisposition screen in an ostensibly healthy population. It had not been previously curated by ICSL or reported in the Human Gene Mutation Database (HGMD: prior to June 1st, 2018), and was therefore a candidate for classification through an automated scoring system. Utilizing variant allele frequency, disease prevalence and penetrance estimates, and inheritance mode, an automated score was calculated to assess if this variant is too frequent to cause the disease. Based on the score and internal cut-off values, a variant classified as benign is not then subjected to further curation. The score for this variant resulted in a classification of benign for this disease.